The following is an entry in ClinVar:

NM_000051.4(ATM):c.7080T>C (p.Tyr2360=)

Genes: ATM (ATM serine/threonine kinase; plus strand), C11orf65 (chromosome 11 open reading frame 65; minus strand). Cytogenetic location: 11q22.3.
Variant type: single nucleotide variant.
Coding change: c.7080T>C on transcript NM_000051.4 (MANE Select); coding-DNA position 7080, T replaced by C.
Protein change: p.Tyr2360=; no amino-acid change (tyrosine 2360 retained).
Molecular consequence: synonymous variant. On other transcripts: intron variant (2).
Genome position (GRCh38, 1-based): chr11:108,327,749, T>C. VCF-style: chr11-108327749-T-C. GRCh37 (hg19) VCF-style: chr11-108198476-T-C.
Other names: c.7080T>C, p.Tyr2360= (NM_001351834.2); c.641-18678A>G (NM_001330368.2); c.*38+7471A>G (NM_001351110.2).
Identifiers: ClinVar variation 926246 (VCV000926246.8), dbSNP rs1555121147, ClinGen allele CA476676522.

ClinVar aggregate classification (germline): Benign/Likely benign. Review status: criteria provided, multiple submitters, no conflicts (2 of 4 stars). 4 submissions from 4 submitters: Benign (1); Likely benign (3). Last evaluated 2024-06-13.

Conditions:
Hereditary cancer-predisposing syndrome. Also called: Tumor predisposition; Neoplastic Syndromes, Hereditary; Hereditary neoplastic syndrome; Hereditary Cancer Syndrome. Identifiers: Orphanet 140162, MedGen C0027672, MeSH D009386, MONDO:0015356.
Ataxia-telangiectasia syndrome (AT). Also called: Ataxia-telangiectasia, complementation group D; AT, COMPLEMENTATION GROUP C; ATAXIA-TELANGIECTASIA, COMPLEMENTATION GROUP A; ATAXIA-TELANGIECTASIA, FRESNO VARIANT; Ataxia-telangiectasia; Ataxia telangiectasia (A-T). Identifiers: Orphanet 100, MedGen C0004135, MONDO:0008840, OMIM 208900.
Familial cancer of breast. Also called: Hereditary breast cancer; hereditary breast carcinoma; BREAST CANCER, FAMILIAL. Identifiers: Orphanet 227535, MedGen C0346153, MONDO:0016419, OMIM 114480. Disease mechanism: loss of function.

Submissions (4):

Myriad Genetics, Inc.
Classification: Benign for Familial cancer of breast. Last evaluated: 2024-06-13. Review status: criteria provided, single submitter. Criteria: Myriad Autosomal Dominant, Autosomal Recessive and X-Linked Classification Criteria (2023). Collection method: clinical testing. Allele origin: unknown.
Comment: This variant is considered benign. This variant is a silent/synonymous amino acid change and it is not expected to impact splicing.

Labcorp Genetics (formerly Invitae), Labcorp
Classification: Likely benign for Ataxia-telangiectasia syndrome. Last evaluated: 2024-04-06. Review status: criteria provided, single submitter. Criteria: Invitae Variant Classification Sherloc (09022015). Collection method: clinical testing. Allele origin: germline.

Ambry Genetics
Classification: Likely benign for Hereditary cancer-predisposing syndrome. Last evaluated: 2023-06-30. Review status: criteria provided, single submitter. Criteria: Ambry Variant Classification Scheme 2023. Collection method: clinical testing. Allele origin: germline.

Color Diagnostics, LLC DBA Color Health
Classification: Likely benign for Hereditary cancer-predisposing syndrome. Last evaluated: 2019-02-06. Review status: criteria provided, single submitter. Criteria: ACMG Guidelines, 2015. Collection method: clinical testing. Allele origin: germline.